The following is an entry in ClinVar:

ClinVar aggregate classification (germline): Likely benign. Review status: criteria provided, multiple submitters, no conflicts (2 of 4 stars). 3 submissions from 3 submitters: Likely benign (3). Last evaluated 2025-10-01.

Conditions:
Tuberous sclerosis 1 (TSC1). Identifiers: Orphanet 805, MedGen C1854465, MONDO:0008612, OMIM 191100.

Allele frequency attached by ClinVar (database versions not stated): gnomAD exomes below 0.00001.
gnomAD v4.1: 4 of 1,614,140 alleles (0.00025%); highest among the groups gnomAD compares: Non-Finnish European, 0.00034%; no homozygotes.

Submissions (3):

Labcorp Genetics (formerly Invitae), Labcorp
Classification: Likely benign for Tuberous sclerosis 1. Last evaluated: 2025-10-01. Review status: criteria provided, single submitter. Criteria: Invitae Variant Classification Sherloc (09022015). Collection method: clinical testing. Allele origin: germline.

Myriad Genetics, Inc.
Classification: Likely benign for Tuberous sclerosis 1. Last evaluated: 2025-04-08. Review status: criteria provided, single submitter. Criteria: Myriad Autosomal Dominant, Autosomal Recessive and X-Linked Classification Criteria (2023). Collection method: clinical testing. Allele origin: unknown.
Comment: This variant is considered likely benign. This variant is intronic and is not expected to impact mRNA splicing.

Women's Health and Genetics/Laboratory Corporation of America, LabCorp
Classification: Likely benign. Last evaluated: 2024-01-18. Review status: criteria provided, single submitter. Criteria: LabCorp Variant Classification Summary - May 2015. Collection method: clinical testing. Allele origin: germline.

NM_000368.5(TSC1):c.738-16T>C

Gene: TSC1 (TSC complex subunit 1; minus strand). Cytogenetic location: 9q34.13.
Variant type: single nucleotide variant.
Coding change: c.738-16T>C on transcript NM_000368.5 (MANE Select); 16 bases into the intron before coding-DNA position 738, T replaced by C.
Molecular consequence: intron variant.
Genome position (GRCh38, 1-based): chr9:132,912,473, A>G on the plus strand (T>C on the coding strand, the complement: TSC1 is on the minus strand). VCF-style: chr9-132912473-A-G. GRCh37 (hg19) VCF-style: chr9-135787860-A-G.
Other names: c.375-16T>C (NM_001362177.2); c.585-16T>C (NM_001162427.2); c.738-16T>C (NM_001162426.2).
Identifiers: ClinVar variation 1638438 (VCV001638438.10), dbSNP rs2132008163, ClinGen allele CA2573144279.